The following is an entry in ClinVar:

NM_001377448.1(BAHCC1):c.657C>T (p.Leu219=)

Gene: BAHCC1 (BAH domain and coiled-coil containing 1; plus strand). Cytogenetic location: 17q25.3.
Variant type: single nucleotide variant.
Coding change: c.657C>T on transcript NM_001377448.1 (MANE Select); coding-DNA position 657, C replaced by T.
Protein change: p.Leu219=; no amino-acid change (leucine 219 retained).
Molecular consequence: synonymous variant.
Genome position (GRCh38, 1-based): chr17:81,442,006, C>T. VCF-style: chr17-81442006-C-T. GRCh37 (hg19) VCF-style: chr17-79409032-C-T.
Other names: c.657C>T, p.Leu219= (NM_001291324.3).
Identifiers: ClinVar variation 2648448 (VCV002648448.24), dbSNP rs782116373, ClinGen allele CA8833354.

ClinVar aggregate classification (germline): Likely benign (1 of 4 stars; one submission).

Allele frequency attached by ClinVar (database versions not stated): gnomAD 0.00002; TOPMed 0.00002; ExAC 0.00004; gnomAD exomes 0.00004.
gnomAD v4.1: 26 of 740,346 alleles (0.0035%); highest among the groups gnomAD compares: South Asian, 0.0084%; no homozygotes.

Submission:

CeGaT Center for Human Genetics Tuebingen
Classification: Likely benign. Last evaluated: 2022-10-01. Review status: criteria provided, single submitter. Criteria: CeGaT Center For Human Genetics Tuebingen Variant Classification Criteria Version 2. Collection method: clinical testing. Allele origin: germline. Affected: yes. Observed: 1 variant allele.
Comment: BAHCC1: BP4, BP7